The following is an entry in ClinVar:

ClinVar aggregate classification (germline): Pathogenic/Likely pathogenic. Review status: criteria provided, multiple submitters, no conflicts (2 of 4 stars). 6 submissions from 5 submitters: Pathogenic (2); Likely pathogenic (2). 2 of the submissions do not count toward it. Last evaluated 2026-09-16.
ClinVar aggregate classification (somatic clinical impact): Tier I - Strong. Review status: no assertion criteria provided (0 of 4 stars). 3 submissions from 1 submitter. 1 of the submissions does not count toward it. Last evaluated 2024-01-24.
ClinVar aggregate classification (oncogenicity): Uncertain significance (0 of 4 stars; one submission).

Conditions:
Myeloproliferative neoplasm. Identifiers: Orphanet 98274, MedGen C1292778, MONDO:0020076.
Thrombocythemia 1 (THCYT1). Also called: THROMBOCYTHEMIA, SOMATIC; THROMBOCYTOSIS 1. Identifiers: MedGen C3277671, MONDO:0008554, OMIM 187950.
Primary myelofibrosis. Also called: Myelofibrosis, somatic. Identifiers: Orphanet 824, MedGen C0001815, MeSH D055728, MONDO:0009692, OMIM 254450.
Acute myeloid leukemia (AML). Also called: Leukemia, acute myeloid, somatic; Leukemia, acute myelogenous, somatic; Acute myeloid leukemia, adult; AML adult; Acute non-lymphocytic leukemia; Acute granulocytic leukemia. Identifiers: Orphanet 519, MedGen C0023467, MeSH D015470, MONDO:0018874, OMIM 601626, HP:0004808. Disease mechanism: Constitutively activated FLT3.
Essential thrombocythemia. Also called: essential thrombocytemia; Suspected essential thromboythemia. Identifiers: Orphanet 3318, MedGen C0040028, MeSH D013920, MONDO:0005029.

Submissions (10):

Dept of Medical Biology, Uskudar University
Classification: Pathogenic for Myeloproliferative neoplasm. Last evaluated: 2026-09-16. Review status: criteria provided, single submitter. Criteria: Dept of Medical Biology Variant Classification. Collection method: research. Allele origin: unknown. Affected: yes. Observed: 12 variant alleles.
Comment: PS3: the CALR type 1 allele (52-bp deletion) generates a mutant carboxy-terminus that confers cytokine-independent growth in functional studies (PMID:24325356). PS4: recurrently reported in JAK2-unmutated essential thrombocythaemia and primary myelofibrosis (PMID:24325356; PMID:24325359). PM1: located in the exon 9 frameshift hotspot that generates the neomorphic carboxy-terminus. PM2_supporting: rare in gnomAD v4.1 (allele frequency 3.0e-05 in exomes, 2.0e-05 in genomes). PP4: carriers were JAK2 V617F-negative and referred for suspected myeloproliferative neoplasm, a phenotype highly specific for CALR-mutated disease. PVS1 not applied: the variant acts through a neomorphic gain of function, not loss of function. Classified as pathogenic under the ACMG/AMP 2015 guidelines (PMID:25741868). Detected in a retrospective series of 256 BCR::ABL1-negative and JAK2 V617F-negative patients referred for molecular investigation of a suspected myeloproliferative neoplasm (May 2007 to January 2015) and re-interpreted under the ACMG/AMP 2015 criteria.

CeGaT Center for Human Genetics Tuebingen
Classification: Likely pathogenic. Last evaluated: 2025-03-01. Review status: criteria provided, single submitter. Criteria: CeGaT Center For Human Genetics Tuebingen Variant Classification Criteria Version 2. Collection method: clinical testing. Allele origin: germline. Affected: yes. Observed: 2 variant alleles.
Comment: CALR: PS4, PVS1:Strong, PM2:Supporting

Fulgent Genetics
Classification: Pathogenic for Thrombocythemia 1; Primary myelofibrosis. Last evaluated: 2022-02-10. Review status: criteria provided, single submitter. Criteria: ACMG Guidelines, 2015. Collection method: clinical testing. Allele origin: unknown.

Juno Genomics, Hangzhou Juno Genomics, Inc
Classification: Likely pathogenic for Primary myelofibrosis; Thrombocythemia 1. Review status: criteria provided, single submitter. Criteria: ACMG Guidelines, 2015. Collection method: clinical testing. Allele origin: germline. Affected: yes.
Comment: Absent from controls (or at extremely low frequency if recessive) in Genome Aggregation Database.;The prevalence of the variant in affected individuals is significantly increased compared to the prevalence in controls.;Patient's phenotype or family history is highly specific for a disease with a single genetic etiology.;Well-established in vitro or in vivo functional studies supportive of a damaging effect on the gene or gene product.

Molecular Diagnostics Laboratory, Fox Chase Cancer Center - Temple Health
Classification: Tier I - Strong for Essential thrombocythemia. Assertion type: diagnostic. Clinical significance: supports diagnosis. Last evaluated: 2024-01-24. Review status: no assertion criteria provided. Collection method: clinical testing. Allele origin: somatic. Affected: yes.
Comment: A large majority of myeloproliferative neoplasms with nonmutated JAK2 exhibit somatic CALR mutations. In a subset of such cases with essential thrombocythemia, 67% had CALR mutation.

Molecular Diagnostics Laboratory, Fox Chase Cancer Center - Temple Health
Classification: Tier I - Strong for Essential thrombocythemia. Assertion type: prognostic. Clinical significance: better outcome. Last evaluated: 2024-01-24. Review status: no assertion criteria provided. Collection method: clinical testing. Allele origin: somatic. Affected: yes. Clinical features observed: Bone marrow hypercellularity (HP:0031020).
Comment: In a cohort of 1107 myeloproliferative neoplasm patients, those with "mutated CALR had a lower risk of thromobsis and longer overall survival than patients with mutated JAK2."

Molecular Diagnostics Laboratory, Fox Chase Cancer Center - Temple Health
Classification: Tier III - Unknown for Acute myeloid leukemia. Last evaluated: 2024-01-24. Review status: no assertion criteria provided. Collection method: clinical testing. Allele origin: somatic. Affected: yes. Not counted in ClinVar's aggregate classification.

Molecular Diagnostics Laboratory, Fox Chase Cancer Center - Temple Health
Classification: Uncertain significance for Acute myeloid leukemia. Last evaluated: 2024-01-24. Review status: no assertion criteria provided. Collection method: clinical testing. Allele origin: somatic. Affected: yes.

OMIM
Classification: Pathogenic for MYELOFIBROSIS, SOMATIC. Last evaluated: 2013-12-19. Review status: no assertion criteria provided. Collection method: literature only. Allele origin: somatic. Not counted in ClinVar's aggregate classification.

OMIM
Classification: Pathogenic for THROMBOCYTHEMIA, SOMATIC. Last evaluated: 2013-12-19. Review status: no assertion criteria provided. Collection method: literature only. Allele origin: somatic. Not counted in ClinVar's aggregate classification.

Literature cited by the submitters: PubMed 24325356 (cited by 3 submitters); PubMed 24325359 (cited by 3 submitters); PubMed 31562135 (cited by Molecular Diagnostics Laboratory, Fox Chase Cancer Center - Temple Health).

NM_004343.3(CALR):c.1092_1143del52 (p.Leu367Thrfs)

Gene: CALR (calreticulin; plus strand). Cytogenetic location: 19p13.13.
Variant type: Deletion.
Coding change: c.1092_1143del52 on transcript NM_004343.3; coding-DNA positions 1092 to 1143, 52 bases deleted.
Protein change: p.Leu367Thrfs; shifts the reading frame from leucine 367.
Molecular consequence: frameshift variant (on NM_004343.4).
Genome position (GRCh38, 1-based): chr19:12,943,758-12,943,809, 52 bases deleted. GRCh37 (hg19): chr19:13,054,572-13,054,623.
Other names: c.1099_1150del, p.Leu367fs (NM_004343.4); short protein forms L367fs.
Identifiers: ClinVar variation 97006 (VCV000097006.18), dbSNP rs1555760738, ClinGen allele CA149708.